The following is an entry in ClinVar:

NM_000551.4(VHL):c.-12_2dup (p.Met1fs)

Gene: VHL (von Hippel-Lindau tumor suppressor; plus strand). Cytogenetic location: 3p25.3.
Variant type: Duplication.
Coding change: c.-12_2dup on transcript NM_000551.4 (MANE Select); 12 bases upstream of the start codon through coding-DNA position 2, 14 bases duplicated (ATCGCGGAGGGAAT).
Protein change: p.Met1fs; shifts the reading frame from methionine 1.
Molecular consequence: frameshift variant, initiator codon variant.
Genome position (GRCh38, 1-based): chr3:10,141,836-10,141,849, ATCGCGGAGGGAAT duplicated. VCF-style (leftmost placement, unchanged base first): chr3-10141835-G-GATCGCGGAGGGAAT. GRCh37 (hg19) VCF-style: chr3-10183519-G-GATCGCGGAGGGAAT.
Other names: c.-12_2dupATCGCGGAGGGAAT (NM_000551.3); c.-12_2dup, p.Met1fs (NM_001354723.2, NM_198156.3); short protein forms M1fs.
Identifiers: ClinVar variation 279916 (VCV000279916.15), dbSNP rs886041253, ClinGen allele CA10602864.
Genomic context (GRCh38, chr3:10,141,835, plus strand): 5'-CACGCAGCTCCGCCCCGCGTCCGACCCGCGGATCCCGCGGCGTCCGGCCCGGGTGGTCTG[G>GATCGCGGAGGGAAT]ATCGCGGAGGGAATGCCCCGGAGGGCGGAGAACTGGGACGAGGCCGAGGTAGGCGCGGAG-3'

ClinVar aggregate classification (germline): Conflicting classifications of pathogenicity. Review status: criteria provided, conflicting classifications (1 of 4 stars). 6 submissions from 6 submitters: Uncertain significance (1); Likely benign (4). 1 of the submissions does not count toward it. Last evaluated 2026-09-01.

Conditions:
VHL-related disorder. Also called: VHL-related condition.
Hereditary cancer-predisposing syndrome. Also called: Neoplastic Syndromes, Hereditary; Hereditary neoplastic syndrome; Tumor predisposition; Hereditary Cancer Syndrome. Identifiers: Orphanet 140162, MedGen C0027672, MeSH D009386, MONDO:0015356.
Von Hippel-Lindau syndrome (VHLS). Also called: von Hippel–Lindau syndrome; VHL syndrome; Von Hippel-Lindau. Identifiers: Orphanet 892, MedGen C0019562, MONDO:0008667, OMIM 193300. Disease mechanism: loss of function.

Allele frequency attached by ClinVar (database versions not stated): gnomAD 0.00001; TOPMed 0.00004; gnomAD exomes 0.00001 and 0.00007.

Submissions (6):

CeGaT Center for Human Genetics Tuebingen
Classification: Likely benign. Last evaluated: 2026-09-01. Review status: criteria provided, single submitter. Criteria: CeGaT Center For Human Genetics Tuebingen Variant Classification Criteria Version 2. Collection method: clinical testing. Allele origin: germline. Affected: yes. Observed: 3 variant alleles.
Comment: VHL: BP4

Color Diagnostics, LLC DBA Color Health
Classification: Likely benign for Von Hippel-Lindau syndrome. Last evaluated: 2023-07-13. Review status: criteria provided, single submitter. Criteria: ACMG Guidelines, 2015. Collection method: clinical testing. Allele origin: germline.

Genetic Services Laboratory, University of Chicago
Classification: Uncertain significance. Last evaluated: 2020-07-31. Review status: criteria provided, single submitter. Criteria: ACMG Guidelines, 2015. Collection method: clinical testing. Allele origin: germline. Affected: no.
Comment: DNA sequence analysis of the VHL gene demonstrated a 14 base pair duplication involving the 5√¢‚Ç¨¬≤ untranslated region (5√¢‚Ç¨¬≤UTR) and the translation start codon, c.-12_2dup. Though this duplication maintains the natural start codon sequence, ATG, its impact on the protein translation is not predictable. This sequence change does not appear to have been previously described in patients with VHL-related disorders and has been described in the gnomAD database with a frequency of 0.048% in the Latino sub-population (dbSNP rs1057522448). The functional significance of this sequence change is not known at present and its contribution to a disease phenotype cannot definitively be determined.

GeneDx
Classification: Likely benign. Last evaluated: 2019-05-10. Review status: criteria provided, single submitter. Criteria: GeneDx Variant Classification Process June 2021. Collection method: clinical testing. Allele origin: germline. Affected: yes.
Comment: Has not been previously published as pathogenic or benign to our knowledge

Ambry Genetics
Classification: Likely benign for Hereditary cancer-predisposing syndrome. Last evaluated: 2016-11-21. Review status: criteria provided, single submitter. Criteria: Ambry Variant Classification Scheme 2023. Collection method: clinical testing. Allele origin: germline.

PreventionGenetics, part of Exact Sciences
Classification: Uncertain significance for VHL-related condition. Last evaluated: 2023-11-15. Review status: no assertion criteria provided. Collection method: clinical testing. Allele origin: germline. Not counted in ClinVar's aggregate classification.
Comment: The VHL c.-12_2dup14 variant is located in the 5' untranslated region. To our knowledge, this variant has not been reported in the literature. This variant is reported in 0.048% of alleles in individuals of Latino descent in gnomAD (?dataset=gnomad_r2_1). It has conflicting interpretations of likely benign and uncertain significance in ClinVar. At this time, the clinical significance of this variant is uncertain due to the absence of conclusive functional and genetic evidence.